The following is an entry in ClinVar:

ClinVar aggregate classification (germline): Uncertain significance (1 of 4 stars; one submission).

Conditions:
Capillary malformation-arteriovenous malformation syndrome. Also called: Capillary malformation-arteriovenous malformation. Identifiers: Orphanet 137667, MedGen C1842180, MONDO:0012016.

Submission:

Labcorp Genetics (formerly Invitae), Labcorp
Classification: Uncertain significance for Capillary malformation-arteriovenous malformation syndrome. Last evaluated: 2025-02-03. Review status: criteria provided, single submitter. Criteria: Invitae Variant Classification Sherloc (09022015). Collection method: clinical testing. Allele origin: germline.
Comment: This sequence change replaces alanine, which is neutral and non-polar, with serine, which is neutral and polar, at codon 23 of the RASA1 protein (p.Ala23Ser). This variant is not present in population databases (gnomAD no frequency). This variant has not been reported in the literature in individuals affected with RASA1-related conditions. An algorithm developed to predict the effect of missense changes on protein structure and function (PolyPhen-2) suggests that this variant is likely to be disruptive. In summary, the available evidence is currently insufficient to determine the role of this variant in disease. Therefore, it has been classified as a Variant of Uncertain Significance.

NM_002890.3(RASA1):c.67G>T (p.Ala23Ser)

Gene: RASA1 (RAS p21 protein activator 1; plus strand). Cytogenetic location: 5q14.3.
Variant type: single nucleotide variant.
Coding change: c.67G>T on transcript NM_002890.3 (MANE Select); coding-DNA position 67, G replaced by T.
Protein change: p.Ala23Ser; replaces alanine 23 with serine.
Molecular consequence: missense variant.
Genome position (GRCh38, 1-based): chr5:87,268,518, G>T. VCF-style: chr5-87268518-G-T. GRCh37 (hg19) VCF-style: chr5-86564335-G-T.
Other names: short protein forms A23S.
Identifiers: ClinVar variation 4712236 (VCV004712236.1).